The following is an entry in ClinVar:

ClinVar aggregate classification (germline): Uncertain significance (1 of 4 stars; one submission).

Conditions:
Granulomatous disease, chronic, autosomal recessive, cytochrome b-positive, type 3. Also called: GRANULOMATOUS DISEASE, CHRONIC, DUE TO NCF4 DEFICIENCY; Granulomatous disease, chronic, autosomal recessive, cytochrome b-positive, type III; GRANULOMATOUS DISEASE, CHRONIC, AUTOSOMAL RECESSIVE, 3; CGD, AUTOSOMAL RECESSIVE CYTOCHROME b-POSITIVE, TYPE III. Identifiers: Orphanet 379, MedGen C3151409, MONDO:0013507, OMIM 613960.

Allele frequency attached by ClinVar (database versions not stated): gnomAD 0.00001; ExAC 0.00002.
gnomAD v4.1: 28 of 1,613,538 alleles (0.0017%); highest among the groups gnomAD compares: African/African-American, 0.004%; no homozygotes.

Submission:

Labcorp Genetics (formerly Invitae), Labcorp
Classification: Uncertain significance for Granulomatous disease, chronic, autosomal recessive, cytochrome b-positive, type 3. Last evaluated: 2023-11-27. Review status: criteria provided, single submitter. Criteria: Invitae Variant Classification Sherloc (09022015). Collection method: clinical testing. Allele origin: germline.
Comment: This sequence change replaces glycine, which is neutral and non-polar, with arginine, which is basic and polar, at codon 74 of the NCF4 protein (p.Gly74Arg). This variant is present in population databases (rs766377093, gnomAD 0.007%). This variant has not been reported in the literature in individuals affected with NCF4-related conditions. ClinVar contains an entry for this variant (Variation ID: 1507422). An algorithm developed to predict the effect of missense changes on protein structure and function (PolyPhen-2) suggests that this variant is likely to be disruptive. In summary, the available evidence is currently insufficient to determine the role of this variant in disease. Therefore, it has been classified as a Variant of Uncertain Significance.

NM_000631.5(NCF4):c.220G>A (p.Gly74Arg)

Genes: NCF4 (neutrophil cytosolic factor 4; plus strand), NCF4-AS1 (NCF4 antisense RNA 1; minus strand). Cytogenetic location: 22q12.3.
Variant type: single nucleotide variant.
Coding change: c.220G>A on transcript NM_000631.5 (MANE Select); coding-DNA position 220, G replaced by A.
Protein change: p.Gly74Arg; replaces glycine 74 with arginine.
Molecular consequence: missense variant.
Genome position (GRCh38, 1-based): chr22:36,865,021, G>A. VCF-style: chr22-36865021-G-A. GRCh37 (hg19) VCF-style: chr22-37261063-G-A.
Other names: c.220G>A, p.Gly74Arg (NM_013416.4); short protein forms G74R.
Identifiers: ClinVar variation 1507422 (VCV001507422.4), dbSNP rs766377093, ClinGen allele CA10212889.